The following is an entry in ClinVar:

NM_001037333.3(CYFIP2):c.1897C>T (p.Arg633Ter)

Gene: CYFIP2 (cytoplasmic FMR1 interacting protein 2; plus strand). Cytogenetic location: 5q33.3.
Variant type: single nucleotide variant.
Coding change: c.1897C>T on transcript NM_001037333.3 (MANE Select); coding-DNA position 1897, C replaced by T.
Protein change: p.Arg633Ter; replaces arginine 633 with a stop codon.
Molecular consequence: nonsense.
Genome position (GRCh38, 1-based): chr5:157,325,553, C>T. VCF-style: chr5-157325553-C-T. GRCh37 (hg19) VCF-style: chr5-156752561-C-T.
Other names: c.1819C>T, p.Arg607Ter (NM_001291721.2); c.1972C>T, p.Arg658Ter (NM_001291722.2); c.1897C>T, p.Arg633Ter (NM_014376.4); short protein forms R607*, R633*, R658*.
Identifiers: ClinVar variation 3602931 (VCV003602931.2).

ClinVar aggregate classification (germline): Uncertain significance (1 of 4 stars; one submission).

Submission:

GeneDx
Classification: Uncertain significance. Last evaluated: 2026-05-02. Review status: criteria provided, single submitter. Criteria: GeneDx Variant Classification Process June 2021. Collection method: clinical testing. Allele origin: germline.
Comment: Not observed at significant frequency in large population cohorts (gnomAD); Nonsense variant predicted to result in protein truncation or nonsense mediated decay in a gene for which loss-of-function is not an known mechanism of disease; Has not been previously published as pathogenic or benign to our knowledge.